The following is an entry in ClinVar:

NM_000426.4(LAMA2):c.1529A>G (p.Asp510Gly)

Gene: LAMA2 (laminin subunit alpha 2; plus strand). Cytogenetic location: 6q22.33.
Variant type: single nucleotide variant.
Coding change: c.1529A>G on transcript NM_000426.4 (MANE Select); coding-DNA position 1529, A replaced by G.
Protein change: p.Asp510Gly; replaces aspartic acid 510 with glycine.
Molecular consequence: missense variant.
Genome position (GRCh38, 1-based): chr6:129,190,266, A>G. VCF-style: chr6-129190266-A-G. GRCh37 (hg19) VCF-style: chr6-129511411-A-G.
Other names: c.1529A>G, p.Asp510Gly (NM_001079823.2); short protein forms D510G.
Identifiers: ClinVar variation 1394239 (VCV001394239.6), dbSNP rs772958683, ClinGen allele CA3992646.

ClinVar aggregate classification (germline): Uncertain significance. Review status: criteria provided, multiple submitters, no conflicts (2 of 4 stars). 3 submissions from 3 submitters: Uncertain significance (3). Last evaluated 2023-08-10.

Conditions:
LAMA2-related muscular dystrophy (LAMA2-RD). Also called: Laminin alpha 2-related dystrophy. Identifiers: MedGen C5679788, MONDO:0100228.

Allele frequency attached by ClinVar (database versions not stated): ExAC 0.00002; gnomAD exomes 0.00002; TOPMed 0.00002; gnomAD 0.00003.
gnomAD v4.1: 61 of 1,613,594 alleles (0.0038%); highest among the groups gnomAD compares: East Asian, 0.022%; no homozygotes.

Submissions (3):

Revvity Omics, Revvity
Classification: Uncertain significance. Last evaluated: 2023-08-10. Review status: criteria provided, single submitter. Criteria: ACMG Guidelines, 2015. Collection method: clinical testing. Allele origin: germline.

Labcorp Genetics (formerly Invitae), Labcorp
Classification: Uncertain significance for LAMA2-related muscular dystrophy. Last evaluated: 2022-08-06. Review status: criteria provided, single submitter. Criteria: Invitae Variant Classification Sherloc (09022015). Collection method: clinical testing. Allele origin: germline.
Comment: This sequence change replaces aspartic acid, which is acidic and polar, with glycine, which is neutral and non-polar, at codon 510 of the LAMA2 protein (p.Asp510Gly). This variant is present in population databases (rs772958683, gnomAD 0.003%). This variant has not been reported in the literature in individuals affected with LAMA2-related conditions. ClinVar contains an entry for this variant (Variation ID: 1394239). Advanced modeling of protein sequence and biophysical properties (such as structural, functional, and spatial information, amino acid conservation, physicochemical variation, residue mobility, and thermodynamic stability) performed at Invitae indicates that this missense variant is not expected to disrupt LAMA2 protein function. Algorithms developed to predict the effect of sequence changes on RNA splicing suggest that this variant may create or strengthen a splice site. In summary, the available evidence is currently insufficient to determine the role of this variant in disease. Therefore, it has been classified as a Variant of Uncertain Significance.

GeneDx
Classification: Uncertain significance. Last evaluated: 2022-06-02. Review status: criteria provided, single submitter. Criteria: GeneDx Variant Classification Process June 2021. Collection method: clinical testing. Allele origin: germline. Affected: yes.
Comment: Not observed at significant frequency in large population cohorts (gnomAD); In silico analysis supports that this missense variant does not alter protein structure/function; Has not been previously published as pathogenic or benign to our knowledge